The following is an entry in ClinVar:

NM_173495.3(PTCHD1):c.1557T>G (p.Tyr519Ter)

Gene: PTCHD1 (patched domain containing 1; plus strand). Cytogenetic location: Xp22.11.
Variant type: single nucleotide variant.
Coding change: c.1557T>G on transcript NM_173495.3 (MANE Select); coding-DNA position 1557, T replaced by G.
Protein change: p.Tyr519Ter; replaces tyrosine 519 with a stop codon.
Molecular consequence: nonsense.
Genome position (GRCh38, 1-based): chrX:23,393,075, T>G. VCF-style: chrX-23393075-T-G. GRCh37 (hg19) VCF-style: chrX-23411192-T-G.
Other names: short protein forms Y519*.
Identifiers: ClinVar variation 1707515 (VCV001707515.2), dbSNP rs2518766952, ClinGen allele CA412584734.

ClinVar aggregate classification (germline): Likely pathogenic (1 of 4 stars; one submission).

Conditions:
Autism, susceptibility to, X-linked 4 (AUTSX4). Identifiers: MedGen C0795888, MONDO:0010440, OMIM 300830.

Submission:

Institute of Human Genetics, University of Leipzig Medical Center
Classification: Likely pathogenic for Autism, susceptibility to, X-linked 4. Last evaluated: 2022-08-11. Review status: criteria provided, single submitter. Criteria: ACMG Guidelines, 2015. Collection method: clinical testing. Allele origin: maternal. Inheritance: X-linked recessive inheritance. Affected: yes.
Comment: Criteria applied: PVS1,PM2_SUP